The following is an entry in ClinVar:

ClinVar aggregate classification (germline): Uncertain significance (1 of 4 stars; one submission).

Conditions:
Hereditary cancer-predisposing syndrome. Also called: Hereditary neoplastic syndrome; Hereditary Cancer Syndrome; Neoplastic Syndromes, Hereditary; Tumor predisposition. Identifiers: Orphanet 140162, MedGen C0027672, MeSH D009386, MONDO:0015356.

Submission:

Ambry Genetics
Classification: Uncertain significance for Hereditary cancer-predisposing syndrome. Last evaluated: 2023-04-16. Review status: criteria provided, single submitter. Criteria: Ambry Variant Classification Scheme 2023. Collection method: clinical testing. Allele origin: germline.
Comment: The p.Q822K variant (also known as c.2464C>A), located in coding exon 5 of the PALB2 gene, results from a C to A substitution at nucleotide position 2464. The glutamine at codon 822 is replaced by lysine, an amino acid with similar properties. This amino acid position is conserved. In addition, this alteration is predicted to be tolerated by in silico analysis. Since supporting evidence is limited at this time, the clinical significance of this alteration remains unclear.

NM_024675.4(PALB2):c.2464C>A (p.Gln822Lys)

Gene: PALB2 (partner and localizer of BRCA2; minus strand). Cytogenetic location: 16p12.2.
Variant type: single nucleotide variant.
Coding change: c.2464C>A on transcript NM_024675.4 (MANE Select); coding-DNA position 2464, C replaced by A.
Protein change: p.Gln822Lys; replaces glutamine 822 with lysine.
Molecular consequence: missense variant. On other transcripts: intron variant (1).
Genome position (GRCh38, 1-based): chr16:23,629,690, G>T on the plus strand (C>A on the coding strand, the complement: PALB2 is on the minus strand). VCF-style: chr16-23629690-G-T. GRCh37 (hg19) VCF-style: chr16-23641011-G-T.
Other names: c.2404C>A, p.Gln802Lys (NM_001407296.1); c.2464C>A, p.Gln822Lys (NM_001407297.1, NM_001407298.1, NM_001407299.1 and 3 more transcripts); c.1579C>A, p.Gln527Lys (NM_001407304.1, NM_001407305.1, NM_001407306.1 and 5 more transcripts); c.676C>A, p.Gln226Lys (NM_001407312.1, NM_001407313.1); c.49-415C>A (NM_001407314.1); short protein forms Q802K, Q226K, Q527K, Q822K.
Identifiers: ClinVar variation 2567572 (VCV002567572.2), dbSNP rs1555460323, ClinGen allele CA395124105.